The following is an entry in ClinVar:

NM_198428.3(BBS9):c.320_321del (p.Ser107fs)

Gene: BBS9 (Bardet-Biedl syndrome 9; plus strand). Cytogenetic location: 7p14.3.
Variant type: Microsatellite.
Coding change: c.320_321del on transcript NM_198428.3 (MANE Select); coding-DNA positions 320 to 321, 2 bases deleted (CT; older notation c.320_321delCT).
Protein change: p.Ser107fs; shifts the reading frame from serine 107.
Molecular consequence: frameshift variant. On other transcripts: non-coding transcript variant (3), intron variant (4).
Genome position (GRCh38, 1-based): chr7:33,155,694-33,155,695, CT deleted; deleting any 2 consecutive bases within chr7:33,155,692-33,155,695 gives the same sequence; the c. name uses the placement nearest the transcript's 3' end. VCF-style (leftmost placement, unchanged base first): chr7-33155691-ACT-A. GRCh37 (hg19) VCF-style: chr7-33195303-ACT-A.
Other names: c.320_321del, p.Ser107fs (NM_001033604.2, NM_001033605.2, NM_001348036.1 and 5 more transcripts); c.47_48del, p.Ser16fs (NM_001348038.3, NM_001348039.3); c.185_186del, p.Ser62fs (NM_001348042.3); c.-39+2843_-39+2844del (NM_001348037.3, NM_001348045.3); c.-38-21784_-38-21783del (NM_001348046.3, NM_001348044.3); short protein forms S16fs, S62fs, S107fs.
Identifiers: ClinVar variation 3648055 (VCV003648055.2).

ClinVar aggregate classification (germline): Pathogenic (1 of 4 stars; one submission).

Conditions:
Bardet-Biedl syndrome (BBS). Identifiers: Orphanet 110, MedGen C0752166, MONDO:0015229.

Submission:

Labcorp Genetics (formerly Invitae), Labcorp
Classification: Pathogenic for Bardet-Biedl syndrome. Last evaluated: 2024-04-19. Review status: criteria provided, single submitter. Criteria: Invitae Variant Classification Sherloc (09022015). Collection method: clinical testing. Allele origin: germline.
Comment: This sequence change creates a premature translational stop signal (p.Ser107Cysfs*7) in the BBS9 gene. It is expected to result in an absent or disrupted protein product. Loss-of-function variants in BBS9 are known to be pathogenic (PMID: 16380913, 20177705). This variant is not present in population databases (gnomAD no frequency). This variant has not been reported in the literature in individuals affected with BBS9-related conditions. For these reasons, this variant has been classified as Pathogenic.

Literature cited by the submitters: PubMed 16380913; PubMed 20177705.